The following is an entry in ClinVar:

ClinVar aggregate classification (germline): Benign/Likely benign. Review status: criteria provided, multiple submitters, no conflicts (2 of 4 stars). 3 submissions from 3 submitters: Benign (1); Likely benign (2). Last evaluated 2026-01-28.

Conditions:
Hereditary cancer-predisposing syndrome. Also called: Neoplastic Syndromes, Hereditary; Tumor predisposition; Hereditary Cancer Syndrome; Hereditary neoplastic syndrome. Identifiers: Orphanet 140162, MedGen C0027672, MeSH D009386, MONDO:0015356.
Familial cancer of breast. Also called: BREAST CANCER, FAMILIAL; Hereditary breast cancer; hereditary breast carcinoma. Identifiers: Orphanet 227535, MedGen C0346153, MONDO:0016419, OMIM 114480. Disease mechanism: loss of function.

Submissions (3):

Labcorp Genetics (formerly Invitae), Labcorp
Classification: Likely benign for Familial cancer of breast. Last evaluated: 2026-01-28. Review status: criteria provided, single submitter. Criteria: Invitae Variant Classification Sherloc (09022015). Collection method: clinical testing. Allele origin: germline.

Myriad Genetics, Inc.
Classification: Benign for Familial cancer of breast. Last evaluated: 2025-01-16. Review status: criteria provided, single submitter. Criteria: Myriad Autosomal Dominant, Autosomal Recessive and X-Linked Classification Criteria (2023). Collection method: clinical testing. Allele origin: unknown.
Comment: This variant is considered benign. This variant is a silent/synonymous amino acid change and it is not expected to impact splicing.

Ambry Genetics
Classification: Likely benign for Hereditary cancer-predisposing syndrome. Last evaluated: 2014-12-17. Review status: criteria provided, single submitter. Criteria: Ambry Variant Classification Scheme 2023. Collection method: clinical testing. Allele origin: germline.

NM_024675.4(PALB2):c.2382G>A (p.Arg794=)

Gene: PALB2 (partner and localizer of BRCA2; minus strand). Cytogenetic location: 16p12.2.
Variant type: single nucleotide variant.
Coding change: c.2382G>A on transcript NM_024675.4 (MANE Select); coding-DNA position 2382, G replaced by A.
Protein change: p.Arg794=; no amino-acid change (arginine 794 retained).
Molecular consequence: synonymous variant.
Genome position (GRCh38, 1-based): chr16:23,629,772, C>T on the plus strand (G>A on the coding strand, the complement: PALB2 is on the minus strand). VCF-style: chr16-23629772-C-T. GRCh37 (hg19) VCF-style: chr16-23641093-C-T.
Identifiers: ClinVar variation 187577 (VCV000187577.15), dbSNP rs786203837, ClinGen allele CA198000.